The following is an entry in ClinVar:

ClinVar aggregate classification (germline): Uncertain significance. Review status: criteria provided, multiple submitters, no conflicts (2 of 4 stars). 2 submissions from 2 submitters: Uncertain significance (2). Last evaluated 2026-07-30.

Conditions:
Renal cell carcinoma. Identifiers: Orphanet 217071, MedGen C0007134, MeSH D002292, MONDO:0005086, HP:0005584.
Hereditary cancer-predisposing syndrome. Also called: Hereditary Cancer Syndrome; Tumor predisposition; Hereditary neoplastic syndrome; Neoplastic Syndromes, Hereditary. Identifiers: Orphanet 140162, MedGen C0027672, MeSH D009386, MONDO:0015356.

Allele frequency attached by ClinVar (database versions not stated): gnomAD exomes below 0.00001.
gnomAD v4.1: 2 of 1,613,774 alleles (0.00012%); highest among the groups gnomAD compares: Middle Eastern, 0.017%; no homozygotes.

Submissions (2):

Ambry Genetics
Classification: Uncertain significance for Hereditary cancer-predisposing syndrome. Last evaluated: 2026-07-30. Review status: criteria provided, single submitter. Criteria: Ambry Variant Classification Scheme 2023. Collection method: clinical testing. Allele origin: germline.
Comment: The p.S934F variant (also known as c.2801C>T), located in coding exon 12 of the MET gene, results from a C to T substitution at nucleotide position 2801. The serine at codon 934 is replaced by phenylalanine, an amino acid with highly dissimilar properties. This amino acid position is conserved. In addition, this alteration is predicted to be tolerated by in silico analysis. Based on the available evidence, the clinical significance of this variant remains unclear.

Labcorp Genetics (formerly Invitae), Labcorp
Classification: Uncertain significance for Renal cell carcinoma. Last evaluated: 2024-06-21. Review status: criteria provided, single submitter. Criteria: Invitae Variant Classification Sherloc (09022015). Collection method: clinical testing. Allele origin: germline.
Comment: This sequence change replaces serine, which is neutral and polar, with phenylalanine, which is neutral and non-polar, at codon 934 of the MET protein (p.Ser934Phe). This variant is present in population databases (no rsID available, gnomAD 0.0009%). This variant has not been reported in the literature in individuals affected with MET-related conditions. ClinVar contains an entry for this variant (Variation ID: 565910). An algorithm developed to predict the effect of missense changes on protein structure and function (PolyPhen-2) suggests that this variant is likely to be disruptive. In summary, the available evidence is currently insufficient to determine the role of this variant in disease. Therefore, it has been classified as a Variant of Uncertain Significance.

NM_000245.4(MET):c.2747C>T (p.Ser916Phe)

Gene: MET (MET proto-oncogene, receptor tyrosine kinase; plus strand). Cytogenetic location: 7q31.2.
Variant type: single nucleotide variant.
Coding change: c.2747C>T on transcript NM_000245.4 (MANE Select); coding-DNA position 2747, C replaced by T.
Protein change: p.Ser916Phe; replaces serine 916 with phenylalanine.
Molecular consequence: missense variant.
Genome position (GRCh38, 1-based): chr7:116,771,514, C>T. VCF-style: chr7-116771514-C-T. GRCh37 (hg19) VCF-style: chr7-116411568-C-T.
Other names: c.2801C>T (LRG_662t1); c.2801C>T, p.Ser934Phe (NM_001127500.3); c.1457C>T, p.Ser486Phe (NM_001324402.2); short protein forms S934F, S486F, S916F.
Identifiers: ClinVar variation 565910 (VCV000565910.9), dbSNP rs1288860579, ClinGen allele CA368986254.